The following is an entry in ClinVar:

ClinVar aggregate classification (germline): Uncertain significance (1 of 4 stars; one submission).

Conditions:
Congenital sideroblastic anemia-B-cell immunodeficiency-periodic fever-developmental delay syndrome. Also called: Sideroblastic anemia with B-cell immunodeficiency, periodic fevers, and developmental delay. Identifiers: Orphanet 369861, MedGen C4015172, MONDO:0014487, OMIM 616084.

Allele frequency attached by ClinVar (database versions not stated): gnomAD exomes below 0.00001; gnomAD 0.00001; TOPMed 0.00001.
gnomAD v4.1: 2 of 1,613,940 alleles (0.00012%); highest among the groups gnomAD compares: African/African-American, 0.0027%; no homozygotes.

Submission:

Labcorp Genetics (formerly Invitae), Labcorp
Classification: Uncertain significance for Congenital sideroblastic anemia-B-cell immunodeficiency-periodic fever-developmental delay syndrome. Last evaluated: 2023-04-05. Review status: criteria provided, single submitter. Criteria: Invitae Variant Classification Sherloc (09022015). Collection method: clinical testing. Allele origin: germline.
Comment: This variant is not present in population databases (gnomAD no frequency). This sequence change replaces glutamic acid, which is acidic and polar, with valine, which is neutral and non-polar, at codon 377 of the TRNT1 protein (p.Glu377Val). This variant has not been reported in the literature in individuals affected with TRNT1-related conditions. In summary, the available evidence is currently insufficient to determine the role of this variant in disease. Therefore, it has been classified as a Variant of Uncertain Significance. Advanced modeling of protein sequence and biophysical properties (such as structural, functional, and spatial information, amino acid conservation, physicochemical variation, residue mobility, and thermodynamic stability) performed at Invitae indicates that this missense variant is not expected to disrupt TRNT1 protein function. ClinVar contains an entry for this variant (Variation ID: 1434044).

NM_182916.3(TRNT1):c.1130A>T (p.Glu377Val)

Gene: TRNT1 (tRNA nucleotidyl transferase 1; plus strand). Cytogenetic location: 3p26.2.
Variant type: single nucleotide variant.
Coding change: c.1130A>T on transcript NM_182916.3 (MANE Select); coding-DNA position 1130, A replaced by T.
Protein change: p.Glu377Val; replaces glutamic acid 377 with valine.
Molecular consequence: missense variant. On other transcripts: non-coding transcript variant (8).
Genome position (GRCh38, 1-based): chr3:3,147,979, A>T. VCF-style: chr3-3147979-A-T. GRCh37 (hg19) VCF-style: chr3-3189663-A-T.
Other names: c.1070A>T, p.Glu357Val (NM_001302946.2); c.1130A>T, p.Glu377Val (NM_001367321.1, NM_001367322.1, NM_001367323.1); short protein forms E357V, E377V.
Identifiers: ClinVar variation 1434044 (VCV001434044.8), dbSNP rs1050894893, ClinGen allele CA68735134.